The following is an entry in ClinVar:

ClinVar aggregate classification (germline): Likely benign. Review status: criteria provided, multiple submitters, no conflicts (2 of 4 stars). 4 submissions from 4 submitters: Likely benign (4). Last evaluated 2026-01-06.

Conditions:
Familial thoracic aortic aneurysm and aortic dissection (TAAD). Also called: Thoracic aortic aneurysms and dissections. Identifiers: Orphanet 91387, MedGen C4707243, MONDO:0019625.
Aortic aneurysm, familial thoracic 4 (AAT4). Also called: AORTIC ANEURYSM/AORTIC DISSECTION AND PATENT DUCTUS ARTERIOSUS. Identifiers: MedGen C1851504, MONDO:0007568, OMIM 132900.

Allele frequency attached by ClinVar (database versions not stated): gnomAD exomes 0.00002 and 0.00003; ExAC 0.00003; TOPMed 0.00003; gnomAD 0.00005 and 0.00006; ESP Exome Variant Server 0.00008.
gnomAD v4.1: 46 of 1,555,008 alleles (0.003%); highest among the groups gnomAD compares: Non-Finnish European, 0.0028%; no homozygotes.

Submissions (4):

Labcorp Genetics (formerly Invitae), Labcorp
Classification: Likely benign for Aortic aneurysm, familial thoracic 4. Last evaluated: 2026-01-06. Review status: criteria provided, single submitter. Criteria: Invitae Variant Classification Sherloc (09022015). Collection method: clinical testing. Allele origin: germline.

All of Us Research Program, National Institutes of Health
Classification: Likely benign for Familial thoracic aortic aneurysm and aortic dissection. Last evaluated: 2024-06-09. Review status: criteria provided, single submitter. Criteria: ACMG Guidelines, 2015. Collection method: clinical testing. Allele origin: germline. Inheritance: Autosomal dominant inheritance. Observed: 6 variant alleles, 6 heterozygotes.
Comment: This study involves interpretation of variants in research participants for the purpose of population health screening. Participant phenotype was not available at the time of variant classification. Additional details can be found in publication PMID: 35346344, PMCID: PMC8962531

GeneDx
Classification: Likely benign. Last evaluated: 2021-04-23. Review status: criteria provided, single submitter. Criteria: GeneDx Variant Classification Process June 2021. Collection method: clinical testing. Allele origin: germline. Affected: yes.

Color Diagnostics, LLC DBA Color Health
Classification: Likely benign for Familial thoracic aortic aneurysm and aortic dissection. Last evaluated: 2018-10-24. Review status: criteria provided, single submitter. Criteria: ACMG Guidelines, 2015. Collection method: clinical testing. Allele origin: germline.

NM_002474.3(MYH11):c.5172-6C>T

Genes: NDE1 (nudE neurodevelopment protein 1; plus strand), MYH11 (myosin heavy chain 11; minus strand). Cytogenetic location: 16p13.11.
Variant type: single nucleotide variant.
Coding change: c.5172-6C>T on transcript NM_002474.3 (MANE Select); 6 bases into the intron before coding-DNA position 5172, C replaced by T.
Molecular consequence: intron variant.
Genome position (GRCh38, 1-based): chr16:15,718,444, G>A on the plus strand (C>T on the coding strand, the complement: MYH11 is on the minus strand). VCF-style: chr16-15718444-G-A. GRCh37 (hg19) VCF-style: chr16-15812301-G-A.
Other names: c.948-5747G>A (NM_001143979.2, NM_017668.3); c.5172-6C>T (NM_022844.3); c.5193-6C>T (NM_001040114.2, NM_001040113.2).
Identifiers: ClinVar variation 922439 (VCV000922439.11), dbSNP rs370786181, ClinGen allele CA7921374.